The following is an entry in ClinVar:

NM_007214.5(SEC63):c.*1230T>C

Gene: SEC63 (SEC63 homolog, protein translocation regulator; minus strand). Cytogenetic location: 6q21.
Variant type: single nucleotide variant.
Coding change: c.*1230T>C on transcript NM_007214.5 (MANE Select); 1230 bases downstream of the stop codon, T replaced by C.
Molecular consequence: 3 prime UTR variant.
Genome position (GRCh38, 1-based): chr6:107,870,474, A>G on the plus strand (T>C on the coding strand, the complement: SEC63 is on the minus strand). VCF-style: chr6-107870474-A-G. GRCh37 (hg19) VCF-style: chr6-108191678-A-G.
Identifiers: ClinVar variation 354874 (VCV000354874.5), dbSNP rs188437808, ClinGen allele CA10622653.

ClinVar aggregate classification (germline): Likely benign (1 of 4 stars; one submission).

Conditions:
Polycystic liver disease 2 (PCLD2). Also called: Polycystic liver disease 2 with or without kidney cysts. Identifiers: Orphanet 2924, MedGen C4310769, MONDO:0014860, OMIM 617004.

Allele frequency attached by ClinVar (database versions not stated): gnomAD 0.00024 and 0.00032; TOPMed 0.00040; 1000 Genomes Project 30x 0.00125; 1000 Genomes Project 0.00080.
gnomAD v4.1: 49 of 152,728 alleles (0.032%); highest among the groups gnomAD compares: East Asian, 0.87%; no homozygotes.

Submission:

Illumina Laboratory Services, Illumina
Classification: Likely benign for Polycystic liver disease 2. Last evaluated: 2018-01-12. Review status: criteria provided, single submitter. Criteria: ICSL Variant Classification Criteria 13 December 2019. Collection method: clinical testing. Allele origin: germline.
Comment: This variant was observed in the ICSL laboratory as part of a predisposition screen in an ostensibly healthy population. It had not been previously curated by ICSL or reported in the Human Gene Mutation Database (HGMD: prior to June 1st, 2018), and was therefore a candidate for classification through an automated scoring system. Utilizing variant allele frequency, disease prevalence and penetrance estimates, and inheritance mode, an automated score was calculated to assess if this variant is too frequent to cause the disease. Based on the score and internal cut-off values, a variant classified as likely benign is not then subjected to further curation. The score for this variant resulted in a classification of likely benign for this disease.